The following is an entry in ClinVar:

NM_003664.5(AP3B1):c.855C>T (p.Asp285=)

Gene: AP3B1 (adaptor related protein complex 3 subunit beta 1; minus strand). Cytogenetic location: 5q14.1.
Variant type: single nucleotide variant.
Coding change: c.855C>T on transcript NM_003664.5 (MANE Select); coding-DNA position 855, C replaced by T.
Protein change: p.Asp285=; no amino-acid change (aspartic acid 285 retained).
Molecular consequence: synonymous variant.
Genome position (GRCh38, 1-based): chr5:78,181,594, G>A on the plus strand (C>T on the coding strand, the complement: AP3B1 is on the minus strand). VCF-style: chr5-78181594-G-A. GRCh37 (hg19) VCF-style: chr5-77477418-G-A.
Other names: p.Asp285=; c.855C>T (NM_003664.4); c.708C>T, p.Asp236= (NM_001271769.2).
Identifiers: ClinVar variation 1672053 (VCV001672053.10), dbSNP rs79932334, ClinGen allele CA3317273.

ClinVar aggregate classification (germline): Likely benign. Review status: criteria provided, multiple submitters, no conflicts (2 of 4 stars). 3 submissions from 3 submitters: Likely benign (3). Last evaluated 2025-03-17.

Conditions:
Hermansky-Pudlak syndrome 2 (HPS2). Also called: Platelet defects and oculocutaneous albinism. Identifiers: Orphanet 183678, Orphanet 79430, MedGen C1842362, MONDO:0011997, OMIM 608233.

Allele frequency attached by ClinVar (database versions not stated): gnomAD exomes below 0.00001 and 0.00001; gnomAD 0.00001; ExAC 0.00002; TOPMed 0.00002.
gnomAD v4.1: 7 of 1,612,048 alleles (0.00043%); highest among the groups gnomAD compares: African/African-American, 0.0027%; no homozygotes.

Submissions (3):

Mayo Clinic Laboratories, Mayo Clinic
Classification: Likely benign. Last evaluated: 2025-03-17. Review status: criteria provided, single submitter. Criteria: ACMG Guidelines, 2015. Collection method: clinical testing. Allele origin: germline. Observed: 1 variant allele.
Comment: BP4, BP7, PM2_supporting

Labcorp Genetics (formerly Invitae), Labcorp
Classification: Likely benign for Hermansky-Pudlak syndrome 2. Last evaluated: 2024-02-17. Review status: criteria provided, single submitter. Criteria: Invitae Variant Classification Sherloc (09022015). Collection method: clinical testing. Allele origin: germline.

Blueprint Genetics
Classification: Likely benign. Last evaluated: 2022-12-14. Review status: criteria provided, single submitter. Criteria: ACMG Guidelines, 2015. Collection method: clinical testing. Allele origin: germline.